The following is an entry in ClinVar:

ClinVar aggregate classification (germline): Uncertain significance. Review status: criteria provided, single submitter (1 of 4 stars). 2 submissions from 2 submitters: Uncertain significance (1). 1 of the submissions does not count toward it. Last evaluated 2026-02-12.

Conditions:
Glucose-6-phosphate transport defect (GSD1B). Also called: Glycogen Storage Disease Type Ib; GSD Ib. Identifiers: Orphanet 364, Orphanet 79259, MedGen C0268146, MONDO:0009288, OMIM 232220.

Submissions (2):

GeneDx
Classification: Uncertain significance. Last evaluated: 2026-02-12. Review status: criteria provided, single submitter. Criteria: GeneDx Variant Classification Process June 2021. Collection method: clinical testing. Allele origin: germline.
Comment: Not observed at significant frequency in large population cohorts (gnomAD); In silico analysis suggests that this missense variant does not alter protein structure/function; Has not been previously published as pathogenic or benign to our knowledge

Natera, Inc.
Classification: Uncertain significance for Glycogen storage disease type Ib. Last evaluated: 2025-04-13. Review status: no assertion criteria provided. Collection method: clinical testing. Allele origin: germline. Not counted in ClinVar's aggregate classification.

NM_001164277.2(SLC37A4):c.634A>G (p.Lys212Glu)

Gene: SLC37A4 (solute carrier family 37 member 4; minus strand). Cytogenetic location: 11q23.3.
Variant type: single nucleotide variant.
Coding change: c.634A>G on transcript NM_001164277.2 (MANE Select); coding-DNA position 634, A replaced by G.
Protein change: p.Lys212Glu; replaces lysine 212 with glutamic acid.
Molecular consequence: missense variant.
Genome position (GRCh38, 1-based): chr11:119,027,087, T>C on the plus strand (A>G on the coding strand, the complement: SLC37A4 is on the minus strand). VCF-style: chr11-119027087-T-C. GRCh37 (hg19) VCF-style: chr11-118897797-T-C.
Other names: c.634A>G, p.Lys212Glu (NM_001164278.2, NM_001164280.2, NM_001467.6); c.415A>G, p.Lys139Glu (NM_001164279.2); short protein forms K139E, K212E.
Identifiers: ClinVar variation 4061739 (VCV004061739.2).